The following is an entry in ClinVar:

ClinVar aggregate classification (germline): Uncertain significance (1 of 4 stars; one submission).

Conditions:
Hereditary breast ovarian cancer syndrome. Also called: Hereditary breast and ovarian cancer syndrome; Hereditary breast and ovarian cancer syndrome (HBOC); BRCA1- and BRCA2-Associated Hereditary Breast and Ovarian Cancer; Hereditary breast and ovarian cancer; Breast and ovarian cancer; Hereditary breast and/or ovarian cancer syndrome. Identifiers: Orphanet 145, MedGen C0677776, MeSH D061325, MONDO:0003582. Disease mechanism: loss of function.

Submission:

Labcorp Genetics (formerly Invitae), Labcorp
Classification: Uncertain significance for Hereditary breast ovarian cancer syndrome. Last evaluated: 2024-03-09. Review status: criteria provided, single submitter. Criteria: Invitae Variant Classification Sherloc (09022015). Collection method: clinical testing. Allele origin: germline.
Comment: This sequence change replaces proline, which is neutral and non-polar, with serine, which is neutral and polar, at codon 173 of the BRCA1 protein (p.Pro173Ser). This variant is not present in population databases (gnomAD no frequency). This variant has not been reported in the literature in individuals affected with BRCA1-related conditions. Advanced modeling of protein sequence and biophysical properties (such as structural, functional, and spatial information, amino acid conservation, physicochemical variation, residue mobility, and thermodynamic stability) performed at Invitae indicates that this missense variant is not expected to disrupt BRCA1 protein function with a negative predictive value of 95%. In summary, the available evidence is currently insufficient to determine the role of this variant in disease. Therefore, it has been classified as a Variant of Uncertain Significance.

NM_007294.4(BRCA1):c.517C>T (p.Pro173Ser)

Gene: BRCA1 (BRCA1 DNA repair associated; minus strand). Cytogenetic location: 17q21.31.
Variant type: single nucleotide variant.
Coding change: c.517C>T on transcript NM_007294.4 (MANE Select); coding-DNA position 517, C replaced by T.
Protein change: p.Pro173Ser; replaces proline 173 with serine.
Molecular consequence: missense variant. On other transcripts: intron variant (2).
Genome position (GRCh38, 1-based): chr17:43,099,805, G>A on the plus strand (C>T on the coding strand, the complement: BRCA1 is on the minus strand). VCF-style: chr17-43099805-G-A. GRCh37 (hg19) VCF-style: chr17-41251822-G-A.
Other names: c.307C>T, p.Pro103Ser (NM_001408483.1, NM_001408484.1, NM_001408485.1 and 37 more transcripts); c.304C>T, p.Pro102Ser (NM_001408490.1, NM_001408491.1, NM_001408493.1 and 18 more transcripts); c.517C>T, p.Pro173Ser (NM_001408494.1, NM_001407667.1, NM_001407664.1 and 96 more transcripts); c.514C>T, p.Pro172Ser (NM_001408495.1, NM_001407670.1, NM_001407671.1 and 65 more transcripts); c.376C>T, p.Pro126Ser (NM_001408500.1, NM_001408498.1, NM_001408499.1 and 61 more transcripts); c.436C>T, p.Pro146Ser (NM_001407662.1, NM_001407874.1, NM_001407875.1 and 6 more transcripts); c.439C>T, p.Pro147Ser (NM_001407663.1, NM_001407862.1, NM_001408409.1 and 12 more transcripts); c.373C>T, p.Pro125Ser (NM_001407740.1, NM_001407741.1, NM_001407742.1 and 35 more transcripts); and 5 more; short protein forms P102S, P126S, P146S, P173S, P45S, P103S, P125S, P147S.
Identifiers: ClinVar variation 3634708 (VCV003634708.2).